The following is an entry in ClinVar:

GRCh37/hg19 Xp11.21(chrX:55101485-55117828)x2

Genes: PAGE2 (PAGE family member 2; plus strand), PAGE2B (PAGE family member 2B; plus strand). Cytogenetic location: Xp11.21.
Variant type: copy number gain.
Change: copy number 2 of chrX:55,101,485-55,117,828 (16.3 kb, GRCh37 coordinates, 1-based), cytogenetic band Xp11.21.
Identifiers: ClinVar variation 394588 (VCV000394588.3).

ClinVar aggregate classification (germline): Benign/Likely benign (0 of 4 stars; one submission).

Submission:

ISCA Site 6
Classification: Benign/Likely benign. Review status: no assertion criteria provided. Collection method: clinical testing. Allele origin: unknown. Affected: yes. Observed: 3 variant alleles. Clinical features observed: Developmental delay AND/OR other significant developmental or morphological phenotypes.
Comment: Likely benign (2), Benign (1)

Copy number variation identified through the course of routine clinical cytogenomic testing in postnatal populations, with clinical assertions as classified by the original submitter. For data from the original published study, Kaminsky, et al. 2011 (PubMed 21844811), please see nstd101.